The following is an entry in ClinVar:

ClinVar aggregate classification (germline): Conflicting classifications of pathogenicity. Review status: criteria provided, conflicting classifications (1 of 4 stars). 5 submissions from 5 submitters: Uncertain significance (2); Benign (2); Likely benign (1). Last evaluated 2025-12-30.

Conditions:
Hyperaldosteronism, familial, type IV (HALD4). Also called: FH IV; ALDOSTERONISM, PRIMARY, AND HYPERTENSION. Identifiers: Orphanet 642671, MedGen C4310756, MONDO:0014875, OMIM 617027.
Idiopathic generalized epilepsy. Also called: EIG; Generalised epilepsy. Identifiers: MedGen C0270850, MONDO:0005579, OMIM 600669.
Inborn genetic diseases. Identifiers: MedGen C0950123, MeSH D030342.

Allele frequency attached by ClinVar (database versions not stated): gnomAD exomes 0.00023 and 0.00054; ExAC 0.00069; gnomAD 0.00194 and 0.00209; ESP Exome Variant Server 0.00203; 1000 Genomes Project 0.00220; 1000 Genomes Project 30x 0.00234; TOPMed 0.00234.
gnomAD v4.1: 644 of 1,612,216 alleles (0.04%); highest among the groups gnomAD compares: African/African-American, 0.73%; 1 homozygote.

Submissions (5):

Labcorp Genetics (formerly Invitae), Labcorp
Classification: Benign for Idiopathic generalized epilepsy; Hyperaldosteronism, familial, type IV. Last evaluated: 2025-12-30. Review status: criteria provided, single submitter. Criteria: Invitae Variant Classification Sherloc (09022015). Collection method: clinical testing. Allele origin: germline.

Ambry Genetics
Classification: Uncertain significance for Inborn genetic diseases. Last evaluated: 2025-08-09. Review status: criteria provided, single submitter. Criteria: Ambry Variant Classification Scheme 2023. Collection method: clinical testing. Allele origin: germline.

Blueprint Genetics
Classification: Likely benign. Last evaluated: 2024-10-02. Review status: criteria provided, single submitter. Criteria: ACMG Guidelines, 2015. Collection method: clinical testing. Allele origin: germline.

GeneDx
Classification: Uncertain significance. Last evaluated: 2019-10-09. Review status: criteria provided, single submitter. Criteria: GeneDx Variant Classification Process June 2021. Collection method: clinical testing. Allele origin: germline. Affected: yes.
Comment: In silico analysis, which includes protein predictors and evolutionary conservation, supports that this variant does not alter protein structure/function; Has not been previously published as pathogenic or benign to our knowledge

Athena Diagnostics
Classification: Benign. Last evaluated: 2017-06-26. Review status: criteria provided, single submitter. Criteria: Athena Diagnostics Criteria. Collection method: clinical testing. Allele origin: germline.

NM_021098.3(CACNA1H):c.4420C>T (p.Arg1474Trp)

Gene: CACNA1H (calcium voltage-gated channel subunit alpha1 H; plus strand). Cytogenetic location: 16p13.3.
Variant type: single nucleotide variant.
Coding change: c.4420C>T on transcript NM_021098.3 (MANE Select); coding-DNA position 4420, C replaced by T.
Protein change: p.Arg1474Trp; replaces arginine 1474 with tryptophan.
Molecular consequence: missense variant.
Genome position (GRCh38, 1-based): chr16:1,211,550, C>T. VCF-style: chr16-1211550-C-T. GRCh37 (hg19) VCF-style: chr16-1261550-C-T.
Other names: c.4420C>T, p.Arg1474Trp (NM_001005407.2); short protein forms R1474W.
Identifiers: ClinVar variation 446953 (VCV000446953.16), dbSNP rs57105517, ClinGen allele CA7801326.